The following is an entry in ClinVar:

ClinVar aggregate classification (germline): Uncertain significance (1 of 4 stars; one submission).

Conditions:
Congenital myasthenic syndrome 8. Also called: Myasthenic syndrome, congenital, 8, with pre- and postsynaptic defects; MYASTHENIC SYNDROME, CONGENITAL, DUE TO AGRIN DEFICIENCY. Identifiers: Orphanet 590, MedGen C3808739, MONDO:0014052, OMIM 615120.

Allele frequency attached by ClinVar (database versions not stated): gnomAD 0.00001; TOPMed 0.00001.

Submission:

Labcorp Genetics (formerly Invitae), Labcorp
Classification: Uncertain significance for Congenital myasthenic syndrome 8. Last evaluated: 2021-10-27. Review status: criteria provided, single submitter. Criteria: Invitae Variant Classification Sherloc (09022015). Collection method: clinical testing. Allele origin: germline.
Comment: This sequence change replaces alanine, which is neutral and non-polar, with valine, which is neutral and non-polar, at codon 767 of the AGRN protein (p.Ala767Val). This variant is not present in population databases (gnomAD no frequency). This variant has not been reported in the literature in individuals affected with AGRN-related conditions. Algorithms developed to predict the effect of missense changes on protein structure and function are either unavailable or do not agree on the potential impact of this missense change (SIFT: "Tolerated"; PolyPhen-2: "Possibly Damaging"; Align-GVGD: "Class C0"). In summary, the available evidence is currently insufficient to determine the role of this variant in disease. Therefore, it has been classified as a Variant of Uncertain Significance.

NM_198576.4(AGRN):c.2300C>T (p.Ala767Val)

Gene: AGRN (agrin; plus strand). Cytogenetic location: 1p36.33.
Variant type: single nucleotide variant.
Coding change: c.2300C>T on transcript NM_198576.4 (MANE Select); coding-DNA position 2300, C replaced by T.
Protein change: p.Ala767Val; replaces alanine 767 with valine.
Molecular consequence: missense variant.
Genome position (GRCh38, 1-based): chr1:1,045,206, C>T. VCF-style: chr1-1045206-C-T. GRCh37 (hg19) VCF-style: chr1-980586-C-T.
Other names: c.2300C>T, p.Ala767Val (NM_001305275.2); c.1985C>T, p.Ala662Val (NM_001364727.2); short protein forms A767V, A662V.
Identifiers: ClinVar variation 1511503 (VCV001511503.6), dbSNP rs1384713725, ClinGen allele CA337838595.